The following is an entry in ClinVar:

NM_000812.4(GABRB1):c.47C>A (p.Pro16His)

Gene: GABRB1 (gamma-aminobutyric acid type A receptor subunit beta1; plus strand). Cytogenetic location: 4p12.
Variant type: single nucleotide variant.
Coding change: c.47C>A on transcript NM_000812.4 (MANE Select); coding-DNA position 47, C replaced by A.
Protein change: p.Pro16His; replaces proline 16 with histidine.
Molecular consequence: missense variant.
Genome position (GRCh38, 1-based): chr4:47,031,698, C>A. VCF-style: chr4-47031698-C-A. GRCh37 (hg19) VCF-style: chr4-47033715-C-A.
Other names: c.47C>A (NM_000812.3); short protein forms P16H.
Identifiers: ClinVar variation 1968949 (VCV001968949.6), dbSNP rs1021581518, ClinGen allele CA356805208.
Genomic context (GRCh38, chr4:47,031,698, plus strand): 5'-AATCAGAGTTAGTAATGTGGACAGTACAAAATCGAGAGAGTCTGGGGCTTCTCTCTTTCC[C>A]TGTGATGATTACCATGGTCTGTTGTGCACACAGGTGAGCTGCTGTTGTTGAATCTCGCTC-3'
Protein context (NP_000803.2, residues 6-26): NRESLGLLSF[Pro16His]VMITMVCCAH

ClinVar aggregate classification (germline): Uncertain significance. Review status: criteria provided, multiple submitters, no conflicts (2 of 4 stars). 2 submissions from 2 submitters: Uncertain significance (2). Last evaluated 2025-08-20.

Allele frequency attached by ClinVar (database versions not stated): gnomAD exomes below 0.00001.
gnomAD v4.1: 2 of 1,614,034 alleles (0.00012%); highest among the groups gnomAD compares: Admixed American, 0.0017%; no homozygotes.

Submissions (2):

Ambry Genetics
Classification: Uncertain significance. Last evaluated: 2025-08-20. Review status: criteria provided, single submitter. Criteria: Ambry Variant Classification Scheme 2023. Collection method: clinical testing. Allele origin: germline.

Labcorp Genetics (formerly Invitae), Labcorp
Classification: Uncertain significance. Last evaluated: 2024-11-28. Review status: criteria provided, single submitter. Criteria: Invitae Variant Classification Sherloc (09022015). Collection method: clinical testing. Allele origin: germline.
Comment: This sequence change replaces proline, which is neutral and non-polar, with histidine, which is basic and polar, at codon 16 of the GABRB1 protein (p.Pro16His). This variant is not present in population databases (gnomAD no frequency). This variant has not been reported in the literature in individuals affected with GABRB1-related conditions. ClinVar contains an entry for this variant (Variation ID: 1968949). Invitae Evidence Modeling of protein sequence and biophysical properties (such as structural, functional, and spatial information, amino acid conservation, physicochemical variation, residue mobility, and thermodynamic stability) indicates that this missense variant is expected to disrupt GABRB1 protein function with a positive predictive value of 95%. In summary, the available evidence is currently insufficient to determine the role of this variant in disease. Therefore, it has been classified as a Variant of Uncertain Significance.